The following is an entry in ClinVar:

NM_000089.4(COL1A2):c.739-2A>T

Gene: COL1A2 (collagen type I alpha 2 chain; plus strand). Cytogenetic location: 7q21.3.
Variant type: single nucleotide variant.
Coding change: c.739-2A>T on transcript NM_000089.4 (MANE Select); the canonical splice acceptor site of the intron before coding-DNA position 739, A replaced by T.
Molecular consequence: splice acceptor variant.
Genome position (GRCh38, 1-based): chr7:94,408,768, A>T. VCF-style: chr7-94408768-A-T. GRCh37 (hg19) VCF-style: chr7-94038080-A-T.
Identifiers: ClinVar variation 993727 (VCV000993727.8), dbSNP rs72656382, ClinGen allele CA368220426.
Genomic context (GRCh38, chr7:94,408,768, plus strand): 5'-TTGTTATTGTTTTCTTAATTTACTTGGAGGAAATTTCTTACCACCTTCTGCTTTGATTTC[A>T]GGGTCCCATTGGGTCTGCTGGCCCTCCAGGCTTCCCAGGTGCCCCTGGCCCCAAGGTAAA-3'

ClinVar aggregate classification (germline): Pathogenic (1 of 4 stars; one submission).

Submission:

ARUP Laboratories, Molecular Genetics and Genomics, ARUP Laboratories
Classification: Pathogenic. Last evaluated: 2019-08-06. Review status: criteria provided, single submitter. Criteria: ARUP Molecular Germline Variant Investigation Process. Collection method: clinical testing. Allele origin: germline.
Comment: The COL1A2 c.739-2A>T variant, to our knowledge, is not reported in the medical literature or gene-specific databases. This variant is also absent from general population databases (Exome Variant Server, Genome Aggregation Database), indicating it is not a common polymorphism. This variant abolishes the canonical splice acceptor site of intron 15, which is likely to disrupt gene function. Additionally, another variant at the same nucleotide (c.739-2A>G), as well as downstream variants that affect canonical splice sites, have been reported in individuals with osteogenesis imperfecta and are considered disease-causing (Bodian 2009, Marini 2007). Based on available information, the c.739-2A>T variant is considered to be pathogenic. References: Bodian DL et al. Mutation and polymorphism spectrum in osteogenesis imperfecta type II: implications for genotype-phenotype relationships. Hum Mol Genet. 2009 Feb 1;18(3):463-71. Marini JC et al. Consortium for osteogenesis imperfecta mutations in the helical domain of type I collagen: regions rich in lethal mutations align with collagen binding sites for integrins and proteoglycans. Hum Mutat. 2007 Mar;28(3):209-21.